The following is an entry in ClinVar:

ClinVar aggregate classification (germline): Likely pathogenic (1 of 4 stars; one submission).

Conditions:
Hereditary cancer-predisposing syndrome. Also called: Tumor predisposition; Hereditary neoplastic syndrome; Neoplastic Syndromes, Hereditary; Hereditary Cancer Syndrome. Identifiers: Orphanet 140162, MedGen C0027672, MeSH D009386, MONDO:0015356.

Submission:

Ambry Genetics
Classification: Likely pathogenic for Hereditary cancer-predisposing syndrome. Last evaluated: 2025-08-15. Review status: criteria provided, single submitter. Criteria: Ambry Variant Classification Scheme 2023. Collection method: clinical testing. Allele origin: germline.
Comment: The p.C375Y variant (also known as c.1124G>A), located in coding exon 12 of the MUTYH gene, results from a G to A substitution at nucleotide position 1124. The cysteine at codon 375 is replaced by tyrosine, an amino acid with highly dissimilar properties. In a massively parallel cell-based functional assay testing 7,8-dihydro-8-oxoguanine:adenine (8OG:A) repair activity, a byproduct of oxidative damage, this variant was reported to be non-functional (Hemker SL et al. Am J Hum Genet. Published online July 29, 2025. DOI: 10.1016/j.ajhg.2025.07.005). This amino acid position is highly conserved in available vertebrate species. In addition, this alteration is predicted to be deleterious by in silico analysis. This variant is considered to be rare based on population cohorts in the Genome Aggregation Database (gnomAD). Based on the majority of available evidence to date, this variant is likely to be pathogenic.

Literature cited by the submitters: PubMed 40738107.

NM_001048174.2(MUTYH):c.1040G>A (p.Cys347Tyr)

Gene: MUTYH (mutY DNA glycosylase; minus strand). Cytogenetic location: 1p34.1.
Variant type: single nucleotide variant.
Coding change: c.1040G>A on transcript NM_001048174.2 (MANE Select); coding-DNA position 1040, G replaced by A.
Protein change: p.Cys347Tyr; replaces cysteine 347 with tyrosine.
Molecular consequence: missense variant. On other transcripts: non-coding transcript variant (2).
Genome position (GRCh38, 1-based): chr1:45,331,723, C>T on the plus strand (G>A on the coding strand, the complement: MUTYH is on the minus strand). VCF-style: chr1-45331723-C-T. GRCh37 (hg19) VCF-style: chr1-45797395-C-T.
Other names: c.1040G>A, p.Cys347Tyr (NM_001048171.2, NM_001048173.2, NM_001293195.2); c.1043G>A, p.Cys348Tyr (NM_001048172.2); c.1124G>A, p.Cys375Tyr (NM_001128425.2); c.1085G>A, p.Cys362Tyr (NM_001293190.2); c.1073G>A, p.Cys358Tyr (NM_001293191.2); c.764G>A, p.Cys255Tyr (NM_001293192.2, NM_001293196.2); c.695G>A, p.Cys232Tyr (NM_001350650.2, NM_001350651.2); c.1115G>A, p.Cys372Tyr (NM_012222.3); short protein forms C362Y, C255Y, C375Y, C232Y, C347Y, C348Y, C358Y, C372Y.
Identifiers: ClinVar variation 818383 (VCV000818383.6), dbSNP rs1570382822, ClinGen allele CA340133479.